The following is an entry in ClinVar:

NM_174916.3(UBR1):c.2255-2A>G

Gene: UBR1 (ubiquitin protein ligase E3 component n-recognin 1; minus strand). Cytogenetic location: 15q15.2.
Variant type: single nucleotide variant.
Coding change: c.2255-2A>G on transcript NM_174916.3 (MANE Select); the canonical splice acceptor site of the intron before coding-DNA position 2255, A replaced by G.
Molecular consequence: splice acceptor variant.
Genome position (GRCh38, 1-based): chr15:43,030,070, T>C on the plus strand (A>G on the coding strand, the complement: UBR1 is on the minus strand). VCF-style: chr15-43030070-T-C. GRCh37 (hg19) VCF-style: chr15-43322268-T-C.
Identifiers: ClinVar variation 2832834 (VCV002832834.3), dbSNP rs2542977485, ClinGen allele CA392071033.
Genomic context (GRCh38, chr15:43,030,070, plus strand): 5'-TTCTCTCATTGTGACCTCTTCTTTGGTCACATTTCCCACTCCAGGTACATAACGCTCACC[T>C]AGTTCAAATAATTAAAAACAAAAAAAAAGTAGAATAATTATTTTCTATTTAAATCTCTCC-3'

ClinVar aggregate classification (germline): Likely pathogenic (1 of 4 stars; one submission).

Allele frequency attached by ClinVar (database versions not stated): gnomAD exomes below 0.00001.
gnomAD v4.1: 1 of 1,613,438 alleles (0.000062%); highest among the groups gnomAD compares: Non-Finnish European, 0.000085%; no homozygotes.

Submission:

Labcorp Genetics (formerly Invitae), Labcorp
Classification: Likely pathogenic. Last evaluated: 2023-02-08. Review status: criteria provided, single submitter. Criteria: Invitae Variant Classification Sherloc (09022015). Collection method: clinical testing. Allele origin: germline.
Comment: This sequence change affects an acceptor splice site in intron 20 of the UBR1 gene. It is expected to disrupt RNA splicing. Variants that disrupt the donor or acceptor splice site typically lead to a loss of protein function (PMID: 16199547), and loss-of-function variants in UBR1 are known to be pathogenic (PMID: 24599544). This variant is not present in population databases (gnomAD no frequency). This variant has not been reported in the literature in individuals affected with UBR1-related conditions. Algorithms developed to predict the effect of sequence changes on RNA splicing suggest that this variant may disrupt the consensus splice site. In summary, the currently available evidence indicates that the variant is pathogenic, but additional data are needed to prove that conclusively. Therefore, this variant has been classified as Likely Pathogenic.

Literature cited by the submitters: PubMed 16199547; PubMed 24599544.